The following is an entry in ClinVar:

NM_024721.5(ZFHX4):c.9735A>G (p.Ala3245=)

Gene: ZFHX4 (zinc finger homeobox 4; plus strand). Cytogenetic location: 8q21.13.
Variant type: single nucleotide variant.
Coding change: c.9735A>G on transcript NM_024721.5 (MANE Select); coding-DNA position 9735, A replaced by G.
Protein change: p.Ala3245=; no amino-acid change (alanine 3245 retained).
Molecular consequence: synonymous variant.
Genome position (GRCh38, 1-based): chr8:76,863,449, A>G. VCF-style: chr8-76863449-A-G. GRCh37 (hg19) VCF-style: chr8-77775685-A-G.
Other names: c.9657A>G, p.Ala3219= (NM_001410934.1).
Identifiers: ClinVar variation 4534861 (VCV004534861.6).

ClinVar aggregate classification (germline): Likely benign (1 of 4 stars; one submission).

gnomAD v4.1: 1 of 1,613,894 alleles (0.000062%); highest among the groups gnomAD compares: Non-Finnish European, 0.000085%; no homozygotes.

Submission:

CeGaT Center for Human Genetics Tuebingen
Classification: Likely benign. Last evaluated: 2025-10-01. Review status: criteria provided, single submitter. Criteria: CeGaT Center For Human Genetics Tuebingen Variant Classification Criteria Version 2. Collection method: clinical testing. Allele origin: germline. Affected: yes. Observed: 1 variant allele.
Comment: ZFHX4: BP4, BP7